The following is an entry in ClinVar:

NM_000094.4(COL7A1):c.6349-2del

Gene: COL7A1 (collagen type VII alpha 1 chain; minus strand). Cytogenetic location: 3p21.31.
Variant type: Deletion.
Coding change: c.6349-2del on transcript NM_000094.4 (MANE Select); the canonical splice acceptor site of the intron before coding-DNA position 6349, one base deleted (A; older notation c.6349-2delA).
Molecular consequence: splice acceptor variant.
Genome position (GRCh38, 1-based): chr3:48,574,723, T deleted on the plus strand (A on the coding strand, the reverse complement: COL7A1 is on the minus strand). VCF-style (leftmost placement, unchanged base first): chr3-48574722-CT-C. GRCh37 (hg19) VCF-style: chr3-48612155-CT-C.
Identifiers: ClinVar variation 1506329 (VCV001506329.7), dbSNP rs2107669831, ClinGen allele CA2573137011.
Genomic context (GRCh38, chr3:48,574,722, plus strand): 5'-GGAGAGAGGCCTCACCCTGTCTCCTTTGGGACCTTGGTCACCATTGCTGCCCGGCTCCCC[CT>C]GTGGGGATGAGATGTCAAGTCAGTCCCTAGTGCCATGGCAGAGGGTGGCCCCGAGCTGAT-3'

ClinVar aggregate classification (germline): Likely pathogenic. Review status: criteria provided, multiple submitters, no conflicts (2 of 4 stars). 2 submissions from 2 submitters: Likely pathogenic (2). Last evaluated 2024-05-07.

Conditions:
Nonsyndromic congenital nail disorder 8. Also called: TOENAIL DYSTROPHY, ISOLATED. Identifiers: MedGen C1843761, MONDO:0011852, OMIM 607523.
Recessive dystrophic epidermolysis bullosa (RDEB). Also called: epidermolysis bullosa dystrophica, autosomal recessive; DYSTROPHIC EPIDERMOLYSIS BULLOSA, AUTOSOMAL RECESSIVE; EPIDERMOLYSIS BULLOSA DYSTROPHICA, HALLOPEAU-SIEMENS TYPE; EPIDERMOLYSIS BULLOSA DYSTROPHICA, GENERALIZED SEVERE, AUTOSOMAL RECESSIVE; Hallopeau-Siemens Disease; Recessive DEB (RDEB). Identifiers: Orphanet 79408, Orphanet 79409, MedGen C0079474, MONDO:0009179, OMIM 226600.
Dominant dystrophic epidermolysis bullosa with absence of skin. Also called: EPIDERMOLYSIS BULLOSA WITH CONGENITAL LOCALIZED ABSENCE OF SKIN AND DEFORMITY OF NAILS; EPIDERMOLYSIS BULLOSA DYSTROPHICA, BART TYPE. Identifiers: MedGen C0268371, MONDO:0007557, OMIM 132000.
Pretibial dystrophic epidermolysis bullosa. Also called: EPIDERMOLYSIS BULLOSA DYSTROPHICA, PRETIBIAL; Pretibial epidermolysis bullosa; Pretibial blistering. Identifiers: Orphanet 79410, MedGen C0432321, MONDO:0007552, OMIM 131850, HP:0012221.
Transient bullous dermolysis of the newborn (TBDN). Also called: EPIDERMOLYSIS BULLOSA DYSTROPHICA, NEONATAL FORM; DYSTROPHIC EPIDERMOLYSIS BULLOSA, NEONATAL. Identifiers: Orphanet 79411, MedGen C1851573, MONDO:0007548, OMIM 131705.
Epidermolysis bullosa pruriginosa. Also called: DEB, PRURIGINOSA; DYSTROPHIC EPIDERMOLYSIS BULLOSA PRURIGINOSA. Identifiers: Orphanet 89843, MedGen C1275114, MONDO:0011398, OMIM 604129.
Generalized dominant dystrophic epidermolysis bullosa (DDEB). Also called: DDEB, generalized; DDEB-gen; DYSTROPHIC EPIDERMOLYSIS BULLOSA, AUTOSOMAL DOMINANT; Epidermolysis bullosa dystrophica, autosomal dominant; Dominant DEB (DDEB). Identifiers: Orphanet 231568, MedGen C0432322, MONDO:0007549, OMIM 131750.

Submissions (2):

Fulgent Genetics
Classification: Likely pathogenic for Transient bullous dermolysis of the newborn; Generalized dominant dystrophic epidermolysis bullosa; Pretibial dystrophic epidermolysis bullosa; Dominant dystrophic epidermolysis bullosa with absence of skin; Recessive dystrophic epidermolysis bullosa; Epidermolysis bullosa pruriginosa; Nonsyndromic congenital nail disorder 8. Last evaluated: 2024-05-07. Review status: criteria provided, single submitter. Criteria: ACMG Guidelines, 2015. Collection method: clinical testing. Allele origin: germline.

Labcorp Genetics (formerly Invitae), Labcorp
Classification: Likely pathogenic. Last evaluated: 2021-11-07. Review status: criteria provided, single submitter. Criteria: Invitae Variant Classification Sherloc (09022015). Collection method: clinical testing. Allele origin: germline.
Comment: This variant is not present in population databases (gnomAD no frequency). This variant has not been reported in the literature in individuals affected with COL7A1-related conditions. Algorithms developed to predict the effect of sequence changes on RNA splicing suggest that this variant may disrupt the consensus splice site. In summary, the currently available evidence indicates that the variant is pathogenic, but additional data are needed to prove that conclusively. Therefore, this variant has been classified as Likely Pathogenic. This sequence change affects a splice site in intron 76 of the COL7A1 gene. It is expected to disrupt splicing. Variants that disrupt the donor or acceptor splice site typically lead to a loss of protein function (PMID: 16199547), and loss-of-function variants in COL7A1 are known to be disease-causing for autosomal recessive dystrophic epidermolysis bullosa (PMID: 16971478). However, certain variants affecting donor or acceptor splice sites in the triple helical domain of COL7A1 are expected to result in in-frame exon skipping and have been reported to cause autosomal dominant dystrophic epidermolysis bullosa (PMID: 31670143).

Literature cited by the submitters: PubMed 16199547 (cited by Labcorp Genetics (formerly Invitae), Labcorp); PubMed 16971478 (cited by Labcorp Genetics (formerly Invitae), Labcorp); PubMed 31670143 (cited by Labcorp Genetics (formerly Invitae), Labcorp).